The following is an entry in ClinVar:

ClinVar aggregate classification (germline): Uncertain significance (1 of 4 stars; one submission).

Conditions:
Primary ciliary dyskinesia. Also called: Ciliary dyskinesia. Identifiers: Orphanet 244, MedGen C0008780, MONDO:0016575, HP:0012265.

gnomAD v4.1: 1 of 1,613,584 alleles (0.000062%); highest among the groups gnomAD compares: Admixed American, 0.0017%; no homozygotes.

Submission:

Labcorp Genetics (formerly Invitae), Labcorp
Classification: Uncertain significance for Primary ciliary dyskinesia. Last evaluated: 2024-12-07. Review status: criteria provided, single submitter. Criteria: Invitae Variant Classification Sherloc (09022015). Collection method: clinical testing. Allele origin: germline.
Comment: This sequence change replaces glutamic acid, which is acidic and polar, with glycine, which is neutral and non-polar, at codon 204 of the DNAH8 protein (p.Glu204Gly). This variant is not present in population databases (gnomAD no frequency). This variant has not been reported in the literature in individuals affected with DNAH8-related conditions. Experimental studies and prediction algorithms are not available or were not evaluated, and the functional significance of this variant is currently unknown. In summary, the available evidence is currently insufficient to determine the role of this variant in disease. Therefore, it has been classified as a Variant of Uncertain Significance.

NM_001206927.2(DNAH8):c.611A>G (p.Glu204Gly)

Gene: DNAH8 (dynein axonemal heavy chain 8; plus strand). Cytogenetic location: 6p21.2.
Variant type: single nucleotide variant.
Coding change: c.611A>G on transcript NM_001206927.2 (MANE Select); coding-DNA position 611, A replaced by G.
Protein change: p.Glu204Gly; replaces glutamic acid 204 with glycine.
Molecular consequence: missense variant. On other transcripts: 5 prime UTR variant (1).
Genome position (GRCh38, 1-based): chr6:38,734,474, A>G. VCF-style: chr6-38734474-A-G. GRCh37 (hg19) VCF-style: chr6-38702250-A-G.
Other names: c.-41A>G (NM_001371.4); short protein forms E204G.
Identifiers: ClinVar variation 3709703 (VCV003709703.1).